The following is an entry in ClinVar:

ClinVar aggregate classification (germline): Uncertain significance (1 of 4 stars; one submission).

Submission:

GeneDx
Classification: Uncertain significance. Last evaluated: 2025-07-20. Review status: criteria provided, single submitter. Criteria: GeneDx Variant Classification Process June 2021. Collection method: clinical testing. Allele origin: germline. Affected: yes.
Comment: Has not been previously published as pathogenic or benign to our knowledge; Not observed at significant frequency in large population cohorts (gnomAD); In silico analysis supports that this missense variant has a deleterious effect on protein structure/function

NM_001369.3(DNAH5):c.6873G>C (p.Met2291Ile)

Gene: DNAH5 (dynein axonemal heavy chain 5; minus strand). Cytogenetic location: 5p15.2.
Variant type: single nucleotide variant.
Coding change: c.6873G>C on transcript NM_001369.3 (MANE Select); coding-DNA position 6873, G replaced by C.
Protein change: p.Met2291Ile; replaces methionine 2291 with isoleucine.
Molecular consequence: missense variant.
Genome position (GRCh38, 1-based): chr5:13,817,663, C>G on the plus strand (G>C on the coding strand, the complement: DNAH5 is on the minus strand). VCF-style: chr5-13817663-C-G. GRCh37 (hg19) VCF-style: chr5-13817772-C-G.
Other names: short protein forms M2291I.
Identifiers: ClinVar variation 4686847 (VCV004686847.1).